The following continues an entry in ClinVar:

NM_002834.5(PTPN11):c.1403C>T (p.Thr468Met)

Gene: PTPN11. ClinVar aggregate classification (germline): Pathogenic. Pathogenic (1).

Submissions 13 to 25 of 52:

Genetic Services Laboratory, University of Chicago
Classification: Pathogenic. Last evaluated: 2024-08-01. Review status: criteria provided, single submitter. Criteria: ACMG Guidelines, 2015. Collection method: clinical testing. Allele origin: germline. Affected: yes. Not counted in ClinVar's aggregate classification.
Comment: DNA sequence analysis of the PTPN11 gene demonstrated a sequence change, c.1403C>T, in exon 12 that results in an amino acid change, p.Thr468Met. The p.Thr468Met change affects a highly conserved amino acid residue located in a domain of the PTPN11 protein that is known to be functional. The p.Thr468Met substitution appears to be deleterious using several in-silico pathogenicity prediction tools (SIFT, Align GVGD, REVEL). This pathogenic sequence change has previously been described in several individuals that meet clinical criteria for Noonan syndrome with multiple lentigines/LEOPARD syndrome (PMID: 25884655, 19864201, 20883402, 15520399, 24767283, 12058348). This variant was identified to segregate with disease in multiple families (PMID: 24767283, 15520399) and has also been identified in the assumed de novo state in two affected individuals (PMID: 25884655, 19864201). This sequence change has been described in the gnomAD database with a frequency of 0.0005% in the global population (dbSNP rs121918457). Functional studies indicate that this variant may impact the function of the PTPN11 protein (PMID: 24935154, 18372317, 16638574, 18849586). The p.Thr468Met amino acid change occurs in a region of the PTPN11 gene where other missense sequence changes have been described in individuals with Noonan spectrum disorders. These collective evidences indicate that this sequence change is pathogenic.

Division of Genetic & Genomic Pathology, Hong Kong Children's Hospital
Classification: Pathogenic for RASopathy. Last evaluated: 2024-06-04. Review status: criteria provided, single submitter. Criteria: ACMG Guidelines, 2015. Collection method: clinical testing. Allele origin: germline. Affected: yes. Not counted in ClinVar's aggregate classification.
Comment: The PTPN11 c.1403C>T p.(Thr468Met) variant is classified as pathogenic by the ClinGen RASopathy Variant Curation Expert Panel (ClinVar VCV000013331.77, PMID: 29493581).

Genomic Medicine Center of Excellence, King Faisal Specialist Hospital and Research Centre
Classification: Pathogenic for Noonan syndrome 1. Last evaluated: 2024-03-17. Review status: criteria provided, single submitter. Criteria: ACMG Guidelines, 2015. Collection method: research. Allele origin: germline. Not counted in ClinVar's aggregate classification.

Institute of Human Genetics, Clinical Exome/Genome Diagnostics Group, University Hospital Bonn
Classification: Pathogenic for LEOPARD syndrome 1. Last evaluated: 2023-12-22. Review status: criteria provided, single submitter. Criteria: ACMG Guidelines, 2015. Collection method: clinical testing. Allele origin: germline. Affected: yes. Not counted in ClinVar's aggregate classification.

Clinical Genomics Laboratory, Washington University in St. Louis
Classification: Pathogenic for Noonan syndrome 1. Last evaluated: 2023-10-23. Review status: criteria provided, single submitter. Criteria: ACMG Guidelines, 2015. Collection method: clinical testing. Allele origin: germline. Affected: yes. Not counted in ClinVar's aggregate classification.
Comment: The PTPN11 c.1403C>T (p.Thr468Met) variant has been reported in several individuals with clinical features of a RASopathy, and is reported to segregate with disease in at least one family (Kato H et al., PMID: 20883402; Keren B et al., PMID: 15520399; Lin IS et al., PMID: 19864201; Santoro C et al., PMID: 24767283; Spatola M et al., PMID: 25884655; Writzl K et al., PMID: 17935252). This variant has been reported in the ClinVar database as a germline pathogenic variant by many submitters, including an expert panel. This variant is only observed on 1/251,186 alleles in the general population (gnomAD v.2.1.1), indicating it is not a common variant. This variant occurs in a location that has been defined by the ClinGen RASopathy Expert Panel to be a hotspot or functional domain (Gelb BD et al., PMID: 29493581) and computational predictors indicate that the variant is damaging, evidence that correlates with impact to PTPN11 function. In support of this prediction, functional studies show altered protein activity in several different assays (Martinelli S et al., PMID: 18372317; Oishi K et al., PMID: 18849586; Yu ZH et al., PMID: 24935154). Based on available information and the ACMG/AMP guidelines for variant interpretation (Richards S et al., PMID: 25741868) and the ClinGen RASopathy Expert Panel recommendations (Gelb BD et al., PMID: 29493581), this variant is classified as pathogenic.

New York Genome Center
Classification: Pathogenic for Noonan syndrome 1; LEOPARD syndrome 1. Last evaluated: 2023-10-17. Review status: criteria provided, single submitter. Criteria: NYGC Assertion Criteria 2020. Collection method: clinical testing. Allele origin: inherited. Observed: 1 variant allele, 1 heterozygote. Not counted in ClinVar's aggregate classification.
Comment: The inherited heterozygous c.1403C>T variant in PTPN11 is an established Pathogenic variant and has been classified as Pathogenic for Noonan syndrome with multiple lentigines by ClinGen RASopathy Variant Curation Expert Panel [Clinvar: 13331]. The c.1403C>T variant has been reported in literature in multiple unrelated individuals with clinical features of PTPN11-associated disorders [PMID: 25884655, 19864201, 20883402], and has been reported prenatally as well [PMID:31040167] . The c.1403C>T variant is located in exon 12 of this 16-exon gene, and is predicted to replace an evolutionarily conserved threonine amino acid with methionine at position 468 (p.(Thr468Met)) within a mutational hot spot of the encoded protein [PMID: 29493581]. In silico predictions are strongly in favor of damaging effect for the p.(Thr468Met) variant [REVEL = 0.965] and in vitro functional studies provide evidence that the p.Thr468Met variant may impact protein function [PMID: 24935154, 18372317]. Noonan spectrum disorders show variable expressivity, and some affected adult family members may be diagnosed only after the diagnosis of more severely affected infants (PMID: 20301557). Based on available evidence this inherited heterozygous c.1403C>T p.(Thr468Met) variant identified in PTPN11 is classified as Pathogenic.

Molecular Diagnostic Laboratory for Inherited Cardiovascular Disease, Montreal Heart Institute
Classification: Pathogenic for Cardiovascular phenotype. Last evaluated: 2023-07-13. Review status: criteria provided, single submitter. Criteria: ACMG Guidelines, 2015. Collection method: clinical testing. Allele origin: germline. Affected: yes. Not counted in ClinVar's aggregate classification.

MGZ Medical Genetics Center
Classification: Pathogenic for Noonan syndrome 1. Last evaluated: 2022-08-09. Review status: criteria provided, single submitter. Criteria: ACMG Guidelines, 2015. Collection method: clinical testing. Allele origin: germline. Affected: yes. Observed: 5 variant alleles. Not counted in ClinVar's aggregate classification.
Comment: ACMG criteria applied: PS4, PM6_STR, PP1_STR, PM1, PM3, PP2, PP3

Genesolutions, Medical Genetics Institutes, Ho Chi Minh City, Vietnam
Classification: Pathogenic for Noonan syndrome 1. Last evaluated: 2022-06-22. Review status: criteria provided, single submitter. Criteria: ACMG Guidelines, 2015. Collection method: clinical testing. Allele origin: de novo. Affected: yes. Observed: 1 variant allele. Not counted in ClinVar's aggregate classification.

Dasa
Classification: Pathogenic for Noonan syndrome. Last evaluated: 2022-03-05. Review status: criteria provided, single submitter. Criteria: ACMG Guidelines, 2015. Collection method: clinical testing. Allele origin: germline. Affected: yes. Observed: 1 variant allele. Not counted in ClinVar's aggregate classification.
Comment: Well-established in vitro or in vivo functional studies supportive of a damaging effect on the gene or gene product (PMID: 24935154; 18372317; 16638574; 18849586) - PS3.The c.1403C>T;p.(Thr468Met) missense variant has been observed in affected individual(s) and ClinVar contains an entry for this variant (ClinVar ID: 13331; PMID: PMID 25884655; PMID: 19864201; PMID: 20883402; PMID: 15520399; PMID: 17935252; PMID: 24767283; PMID: 12058348; PMID: 15520399) - PS4. The variant is located in a mutational hot spot and/or critical and well-established functional domain (Y_phosphatase - PMID 29493581) - PM1. This variant is not present in population databases (rs121918457- gnomAD; ABraOM no frequency) - PM2. The variant was assumed de novo, but without confirmation of paternity and maternity (PMID 25884655; 19864201; PMIDs: 20883402; 15520399; 17935252; 24767283; 12058348; 15520399) - PM6_strong. The variant co-segregated with disease in multiple affected family members (PMID: 24767283, 17935252, 15520399, 20883402) - PP1_strong. Missense variant in PTPN11 that has a low rate of benign missense variation and in which missense variants are a common mechanism of disease - PP2. Multiple lines of computational evidence support a deleterious effect on the gene or gene product - PP3. In summary, the currently available evidence indicates that the variant is pathogenic.

GeneDx
Classification: Pathogenic. Last evaluated: 2022-02-11. Review status: criteria provided, single submitter. Criteria: GeneDx Variant Classification Process June 2021. Collection method: clinical testing. Allele origin: germline. Affected: yes. Not counted in ClinVar's aggregate classification.
Comment: Published functional studies demonstrate a damaging effect with the T468M variant inducing a weakening of the interaction between the N-SH2 and PTP domains, which leads to a mutant protein that is more readily activated (Yu et al., 2014); Missense variants in this gene are often considered pathogenic (HGMD); In silico analysis supports that this missense variant has a deleterious effect on protein structure/function; This variant is associated with the following publications: (PMID: 26607044, 26377682, 27236105, 25322695, 27484170, 17697839, 26686981, 29493581, 30025578, 28152038, 24803665, 21910245, 23813970, 20493809, 21365175, 16638574, 18372317, 18849586, 20883402, 16377799, 23457302, 22555271, 20308328, 24935154, 22585553, 25884655, 12058348, 24767283, 17935252, 27666661, 26742426, 26337637, 27659786, 26952712, 27238887, 28456002, 19174044, 29346770, 29084544, 16358218, 30762279, 29445579, 19054014, 30417923, 30050098, 31560489, 31722741, 32164556, 29907801, 31370276, 33318624, 33870545, 15520399, 32627323, 33673806, 27535533, 24077912)

CeGaT Center for Human Genetics Tuebingen
Classification: Pathogenic. Last evaluated: 2022-02-01. Review status: criteria provided, single submitter. Criteria: CeGaT Center For Human Genetics Tuebingen Variant Classification Criteria Version 2. Collection method: clinical testing. Allele origin: germline. Affected: yes. Observed: 5 variant alleles. Not counted in ClinVar's aggregate classification.

Fulgent Genetics
Classification: Pathogenic for LEOPARD syndrome 1; Metachondromatosis; Noonan syndrome 1; Juvenile myelomonocytic leukemia. Last evaluated: 2021-10-17. Review status: criteria provided, single submitter. Criteria: ACMG Guidelines, 2015. Collection method: clinical testing. Allele origin: unknown. Not counted in ClinVar's aggregate classification.